The following is an entry in ClinVar:

ClinVar aggregate classification (germline): Uncertain significance (1 of 4 stars; one submission).

gnomAD v4.1: 1 of 1,613,228 alleles (0.000062%); no homozygotes.

Submission:

GeneDx
Classification: Uncertain significance. Last evaluated: 2022-10-21. Review status: criteria provided, single submitter. Criteria: GeneDx Variant Classification Process June 2021. Collection method: clinical testing. Allele origin: germline. Affected: yes.
Comment: Not observed at significant frequency in large population cohorts (gnomAD); In silico analysis supports that this missense variant does not alter protein structure/function; Has not been previously published as pathogenic or benign to our knowledge

NM_022455.5(NSD1):c.7433A>G (p.Gln2478Arg)

Gene: NSD1 (nuclear receptor binding SET domain protein 1; plus strand). Cytogenetic location: 5q35.3.
Variant type: single nucleotide variant.
Coding change: c.7433A>G on transcript NM_022455.5 (MANE Select); coding-DNA position 7433, A replaced by G.
Protein change: p.Gln2478Arg; replaces glutamine 2478 with arginine.
Molecular consequence: missense variant.
Genome position (GRCh38, 1-based): chr5:177,294,801, A>G. VCF-style: chr5-177294801-A-G. GRCh37 (hg19) VCF-style: chr5-176721802-A-G.
Other names: c.6560A>G, p.Gln2187Arg (NM_001365684.2, NM_001409308.1, NM_172349.5); c.7433A>G, p.Gln2478Arg (NM_001409301.1, NM_001409302.1, NM_001409303.1); c.7013A>G, p.Gln2338Arg (NM_001409304.1); c.6680A>G, p.Gln2227Arg (NM_001409305.1); c.6671A>G, p.Gln2224Arg (NM_001409306.1, NM_001409307.1); c.6311A>G, p.Gln2104Arg (NM_001409309.1); short protein forms Q2104R, Q2187R, Q2224R, Q2227R, Q2338R, Q2478R.
Identifiers: ClinVar variation 2499766 (VCV002499766.1), dbSNP rs2127282930, ClinGen allele CA362332042.